The following is an entry in ClinVar:

NM_000069.3(CACNA1S):c.4546G>C (p.Asp1516His)

Gene: CACNA1S (calcium voltage-gated channel subunit alpha1 S; minus strand). Cytogenetic location: 1q32.1.
Variant type: single nucleotide variant.
Coding change: c.4546G>C on transcript NM_000069.3 (MANE Select); coding-DNA position 4546, G replaced by C.
Protein change: p.Asp1516His; replaces aspartic acid 1516 with histidine.
Molecular consequence: missense variant.
Genome position (GRCh38, 1-based): chr1:201,047,237, C>G on the plus strand (G>C on the coding strand, the complement: CACNA1S is on the minus strand). VCF-style: chr1-201047237-C-G. GRCh37 (hg19) VCF-style: chr1-201016365-C-G.
Other names: short protein forms D1516H.
Identifiers: ClinVar variation 294715 (VCV000294715.16), dbSNP rs764330337, ClinGen allele CA083441.

ClinVar aggregate classification (germline): Conflicting classifications of pathogenicity. Review status: criteria provided, conflicting classifications (1 of 4 stars). 7 submissions from 7 submitters: Uncertain significance (4); Benign (1); Likely benign (1). 1 of the submissions does not count toward it. Last evaluated 2026-01-26.

Conditions:
Hypokalemic periodic paralysis, type 1. Also called: Hypokalemic Periodic Paralysis Type 1 (AD); HypoPP. Identifiers: Orphanet 681, MedGen C3714580, MONDO:0042979, OMIM 170400.
Malignant hyperthermia, susceptibility to, 5 (MHS5). Also called: CACNA1S-Related Malignant Hyperthermia Susceptibility. Identifiers: Orphanet 423, MedGen C1866077, MONDO:0011163, OMIM 601887.
Inborn genetic diseases. Identifiers: MedGen C0950123, MeSH D030342.

Allele frequency attached by ClinVar (database versions not stated): gnomAD 0.00001 and 0.00004; TOPMed 0.00001; gnomAD exomes 0.00006 and 0.00007; ExAC 0.00007.
gnomAD v4.1: 90 of 1,614,100 alleles (0.0056%); highest among the groups gnomAD compares: South Asian, 0.087%; no homozygotes.

Submissions (7):

Labcorp Genetics (formerly Invitae), Labcorp
Classification: Likely benign for Hypokalemic periodic paralysis, type 1; Malignant hyperthermia, susceptibility to, 5. Last evaluated: 2026-01-26. Review status: criteria provided, single submitter. Criteria: Invitae Variant Classification Sherloc (09022015). Collection method: clinical testing. Allele origin: germline.

Ambry Genetics
Classification: Uncertain significance for Inborn genetic diseases. Last evaluated: 2025-01-24. Review status: criteria provided, single submitter. Criteria: Ambry Variant Classification Scheme 2023. Collection method: clinical testing. Allele origin: germline.

GeneDx
Classification: Uncertain significance. Last evaluated: 2024-12-03. Review status: criteria provided, single submitter. Criteria: GeneDx Variant Classification Process June 2021. Collection method: clinical testing. Allele origin: germline. Affected: yes.
Comment: In silico analysis supports that this missense variant has a deleterious effect on protein structure/function; Has not been previously published as pathogenic or benign to our knowledge

Color Diagnostics, LLC DBA Color Health
Classification: Uncertain significance for Malignant hyperthermia, susceptibility to, 5. Last evaluated: 2023-11-08. Review status: criteria provided, single submitter. Criteria: ACMG Guidelines, 2015. Collection method: clinical testing. Allele origin: germline.
Comment: This missense variant replaces aspartic acid with histidine at codon 1516 of the CACNA1S protein. Computational prediction suggests that this variant may not impact protein structure and function. To our knowledge, functional studies have not been reported for this variant. This variant has not been reported in individuals affected with CACNA1S-related disorders in the literature. This variant has been identified in 18/251446 chromosomes in the general population by the Genome Aggregation Database (gnomAD). The available evidence is insufficient to determine the role of this variant in disease conclusively. Therefore, this variant is classified as a Variant of Uncertain Significance.

Revvity Omics, Revvity
Classification: Uncertain significance. Last evaluated: 2023-10-31. Review status: criteria provided, single submitter. Criteria: ACMG Guidelines, 2015. Collection method: clinical testing. Allele origin: germline.

Illumina Laboratory Services, Illumina
Classification: Benign for Hypokalemic periodic paralysis, type 1. Last evaluated: 2018-01-12. Review status: criteria provided, single submitter. Criteria: ICSL Variant Classification Criteria 13 December 2019. Collection method: clinical testing. Allele origin: germline.
Comment: This variant was observed in the ICSL laboratory as part of a predisposition screen in an ostensibly healthy population. It had not been previously curated by ICSL or reported in the Human Gene Mutation Database (HGMD: prior to June 1st, 2018), and was therefore a candidate for classification through an automated scoring system. Utilizing variant allele frequency, disease prevalence and penetrance estimates, and inheritance mode, an automated score was calculated to assess if this variant is too frequent to cause the disease. Based on the score and internal cut-off values, a variant classified as benign is not then subjected to further curation. The score for this variant resulted in a classification of benign for this disease.

Department of Pathology and Laboratory Medicine, Sinai Health System
Classification: Uncertain significance. Review status: no assertion criteria provided. Collection method: clinical testing. Allele origin: unknown. Affected: yes. Study: The Canadian Open Genetics Repository (COGR). Not counted in ClinVar's aggregate classification.
Comment: The CACNA1S p.D1516H variant was not identified in the literature but was identified in dbSNP (ID: rs764330337) and ClinVar (classified as uncertain significance by Invitae and as benign by Illumina). The variant was identified in control databases in 18 of 251446 chromosomes at a frequency of 0.00007159, and was observed only in the South Asian population in 18 of 30614 chromosomes (freq: 0.0005880) (Genome Aggregation Database March 6, 2019, v2.1.1). The p.D1516 residue is conserved in mammals and computational analyses (MUT Assesor, PolyPhen-2, SIFT, MutationTaster, Revel, FATHMM, MetaLR, DANN) provide inconsistent predictions regarding the impact to the protein; this information is not very predictive of pathogenicity. The variant occurs outside of the splicing consensus sequence and in silico or computational prediction software programs (Splice AI exome) do not predict a difference in splicing. In summary, based on the above information the clinical significance of this variant cannot be determined with certainty at this time. This variant is classified as a variant of uncertain significance.